The following is an entry in ClinVar:

NM_033159.4(HYAL1):c.523T>C (p.Phe175Leu)

Gene: HYAL1 (hyaluronidase 1; minus strand). Cytogenetic location: 3p21.31.
Variant type: single nucleotide variant.
Coding change: c.523T>C on transcript NM_033159.4 (MANE Select); coding-DNA position 523, T replaced by C.
Protein change: p.Phe175Leu; replaces phenylalanine 175 with leucine.
Molecular consequence: missense variant. On other transcripts: 5 prime UTR variant (1), non-coding transcript variant (1), intron variant (1).
Genome position (GRCh38, 1-based): chr3:50,302,434, A>G on the plus strand (T>C on the coding strand, the complement: HYAL1 is on the minus strand). VCF-style: chr3-50302434-A-G. GRCh37 (hg19) VCF-style: chr3-50339865-A-G.
Other names: c.523T>C, p.Phe175Leu (NM_007312.3, NM_153281.2, NM_153282.3); c.-24T>C (NM_153283.3); c.-26-229T>C (NM_153285.3); short protein forms F175L.
Identifiers: ClinVar variation 1929678 (VCV001929678.2), dbSNP rs781902076, ClinGen allele CA2415928.

ClinVar aggregate classification (germline): Uncertain significance (1 of 4 stars; one submission).

Conditions:
Deficiency of hyaluronoglucosaminidase (MPS9). Also called: Mucopolysaccharidosis type 9; MPS IX; HYALURONIDASE DEFICIENCY. Identifiers: Orphanet 67041, MedGen C1291490, MONDO:0011093, OMIM 601492.

gnomAD v4.1: 7 of 1,613,798 alleles (0.00043%); highest among the groups gnomAD compares: Non-Finnish European, 0.00059%; no homozygotes.

Submission:

Labcorp Genetics (formerly Invitae), Labcorp
Classification: Uncertain significance for Deficiency of hyaluronoglucosaminidase. Last evaluated: 2022-08-06. Review status: criteria provided, single submitter. Criteria: Invitae Variant Classification Sherloc (09022015). Collection method: clinical testing. Allele origin: germline.
Comment: This sequence change replaces phenylalanine, which is neutral and non-polar, with leucine, which is neutral and non-polar, at codon 175 of the HYAL1 protein (p.Phe175Leu). This variant is present in population databases (rs781902076, gnomAD 0.0009%). This variant has not been reported in the literature in individuals affected with HYAL1-related conditions. Algorithms developed to predict the effect of missense changes on protein structure and function are either unavailable or do not agree on the potential impact of this missense change (SIFT: "Deleterious"; PolyPhen-2: "Probably Damaging"; Align-GVGD: "Class C0"). In summary, the available evidence is currently insufficient to determine the role of this variant in disease. Therefore, it has been classified as a Variant of Uncertain Significance.